The following is an entry in ClinVar:

ClinVar aggregate classification (germline): Uncertain significance. Review status: criteria provided, multiple submitters, no conflicts (2 of 4 stars). 5 submissions from 5 submitters: Uncertain significance (5). Last evaluated 2025-12-01.

Conditions:
Sitosterolemia 2. Identifiers: MedGen C5231453, MONDO:0020748, OMIM 618666.
Sitosterolemia (STSL). Also called: PHYTOSTEROLEMIA. Identifiers: Orphanet 2882, MedGen C0342907, MONDO:0008863.
Cardiovascular phenotype. Identifiers: MedGen CN230736.

Allele frequency attached by ClinVar (database versions not stated): TOPMed 0.00002; ESP Exome Variant Server 0.00008; gnomAD 0.00003.
gnomAD v4.1: 21 of 1,614,008 alleles (0.0013%); highest among the groups gnomAD compares: East Asian, 0.011%; no homozygotes.

Submissions (5):

Labcorp Genetics (formerly Invitae), Labcorp
Classification: Uncertain significance for Sitosterolemia. Last evaluated: 2025-12-01. Review status: criteria provided, single submitter. Criteria: Invitae Variant Classification Sherloc (09022015). Collection method: clinical testing. Allele origin: germline.
Comment: This sequence change replaces valine, which is neutral and non-polar, with isoleucine, which is neutral and non-polar, at codon 404 of the ABCG5 protein (p.Val404Ile). This variant is present in population databases (rs200396635, gnomAD 0.02%). This variant has not been reported in the literature in individuals affected with ABCG5-related conditions. ClinVar contains an entry for this variant (Variation ID: 2502169). An algorithm developed to predict the effect of missense changes on protein structure and function outputs the following: PolyPhen-2: "Benign". The isoleucine amino acid residue is found in multiple mammalian species, which suggests that this missense change does not adversely affect protein function. In summary, the available evidence is currently insufficient to determine the role of this variant in disease. Therefore, it has been classified as a Variant of Uncertain Significance.

Mayo Clinic Laboratories, Mayo Clinic
Classification: Uncertain significance. Last evaluated: 2025-03-03. Review status: criteria provided, single submitter. Criteria: ACMG Guidelines, 2015. Collection method: clinical testing. Allele origin: germline. Observed: 1 variant allele.
Comment: BP4

Ambry Genetics
Classification: Uncertain significance for Cardiovascular phenotype. Last evaluated: 2023-08-05. Review status: criteria provided, single submitter. Criteria: Ambry Variant Classification Scheme 2023. Collection method: clinical testing. Allele origin: germline.

Revvity Omics, Revvity
Classification: Uncertain significance for Sitosterolemia 2. Last evaluated: 2023-03-16. Review status: criteria provided, single submitter. Criteria: ACMG Guidelines, 2015. Collection method: clinical testing. Allele origin: germline.

New York Genome Center
Classification: Uncertain significance for Sitosterolemia 2. Last evaluated: 2022-03-04. Review status: criteria provided, single submitter. Criteria: NYGC Assertion Criteria 2020. Collection method: clinical testing. Allele origin: germline. Observed: 1 variant allele.
Comment: The c.1210C>A variant in ABCG5 has not previously been reported in the literature or public variant repositories (ClinVar and LOVD), and it is observed in 13 alleles (~0.002% minor allele frequency with 0 homozygotes) in population databases (gnomAD v2.1.1 and v3.1.2, TOPMed Freeze 8), suggesting it is not a common benign variant in the populations represented in those databases. The c.1210C>A variant is located in exon 9 of this 13-exon gene, and predicted to replace a weakly conserved valine amino acid with isoleucine at position 404 (p.(Val404Ile)) in the first of the six transmembrane domains of the encoded protein. In silico predictions are not in favor of damaging effect (CADD v1.6 = 15.8, REVEL = 0.124); however, there are no functional studies to support or refute these predictions. Based on available evidence this heterozygous c.1210C>A p.(Val404Ile) variant identified in ABCG5 is classified as a Variant of Uncertain Significance.

NM_022436.3(ABCG5):c.1210G>A (p.Val404Ile)

Genes: ABCG5 (ATP binding cassette subfamily G member 5; minus strand), DYNC2LI1 (dynein cytoplasmic 2 light intermediate chain 1; plus strand). Cytogenetic location: 2p21.
Variant type: single nucleotide variant.
Coding change: c.1210G>A on transcript NM_022436.3 (MANE Select); coding-DNA position 1210, G replaced by A.
Protein change: p.Val404Ile; replaces valine 404 with isoleucine.
Molecular consequence: missense variant. On other transcripts: intron variant (2).
Genome position (GRCh38, 1-based): chr2:43,824,027, C>T on the plus strand (G>A on the coding strand, the complement: ABCG5 is on the minus strand). VCF-style: chr2-43824027-C-T. GRCh37 (hg19) VCF-style: chr2-44051166-C-T.
Other names: p.Val404Ile; c.*16-3359C>T (NM_001348913.2, NM_001348912.2); short protein forms V404I.
Identifiers: ClinVar variation 2502169 (VCV002502169.4), dbSNP rs200396635, ClinGen allele CA1636366.